The following is an entry in ClinVar:

ClinVar aggregate classification (germline): Conflicting classifications of pathogenicity. Review status: criteria provided, conflicting classifications (1 of 4 stars). 15 submissions from 15 submitters: Uncertain significance (7); Benign (2); Likely benign (3). 3 of the submissions do not count toward it. Last evaluated 2026-09-01.

Conditions:
Inborn genetic diseases. Identifiers: MedGen C0950123, MeSH D030342.
Nemaline myopathy 2 (NEM2). Also called: Nemaline myopathy 2, autosomal recessive. Identifiers: MedGen C1850569, MONDO:0009725, OMIM 256030.
Progressive proximal muscle weakness. Identifiers: MedGen C1836156, HP:0009073.
Limb pain. Identifiers: MedGen C0030196, HP:0009763.
Muscular dystrophy. Identifiers: Orphanet 98473, MedGen C0026850, MeSH D009136, MONDO:0020121, HP:0003560.

Allele frequency attached by ClinVar (database versions not stated): ESP Exome Variant Server 0.00008; TOPMed 0.00025; gnomAD 0.00029; 1000 Genomes Project 30x 0.00031; 1000 Genomes Project 0.00040; gnomAD exomes 0.00041; ExAC 0.00058.
gnomAD v4.1: 507 of 1,613,796 alleles (0.031%); highest among the groups gnomAD compares: Non-Finnish European, 0.036%; 1 homozygote.

Submissions (15):

CeGaT Center for Human Genetics Tuebingen
Classification: Likely benign. Last evaluated: 2026-09-01. Review status: criteria provided, single submitter. Criteria: CeGaT Center For Human Genetics Tuebingen Variant Classification Criteria Version 2. Collection method: clinical testing. Allele origin: germline. Affected: yes. Observed: 13 variant alleles.
Comment: NEB: BS1

Labcorp Genetics (formerly Invitae), Labcorp
Classification: Benign for Nemaline myopathy 2. Last evaluated: 2026-02-04. Review status: criteria provided, single submitter. Criteria: Invitae Variant Classification Sherloc (09022015). Collection method: clinical testing. Allele origin: germline.

Women's Health and Genetics/Laboratory Corporation of America, LabCorp
Classification: Uncertain significance. Last evaluated: 2025-10-15. Review status: criteria provided, single submitter. Criteria: LabCorp Variant Classification Summary - May 2015. Collection method: clinical testing. Allele origin: germline.
Comment: Variant summary: NEB c.20098C>A (p.Leu6700Ile) results in a conservative amino acid change in the encoded protein sequence. Algorithms developed to predict the effect of missense changes on protein structure and function are either unavailable or do not agree on the potential impact of this missense change. The variant allele was found at a frequency of 0.00041 in 248964 control chromosomes in the gnomAD database, including 1 homozygotes. This frequency is not significantly higher than estimated for disease-causing variants in NEB, allowing no conclusion about variant significance. c.20098C>A has been observed in an individual affected with Fetal anomaly (Zhao_2021). These report(s) do not provide unequivocal conclusions about association of the variant with Nemaline Myopathy 2. To our knowledge, no experimental evidence demonstrating an impact on protein function has been reported. The following publication have been ascertained in the context of this evaluation (PMID: 33100332). ClinVar contains an entry for this variant (Variation ID: 211584). Based on the evidence outlined above, the variant was classified as uncertain significance.

Revvity Omics, Revvity
Classification: Benign. Last evaluated: 2024-12-11. Review status: criteria provided, single submitter. Criteria: ACMG Guidelines, 2015. Collection method: clinical testing. Allele origin: germline.

Blueprint Genetics
Classification: Likely benign. Last evaluated: 2024-11-21. Review status: criteria provided, single submitter. Criteria: ACMG Guidelines, 2015. Collection method: clinical testing. Allele origin: germline.

Mayo Clinic Laboratories, Mayo Clinic
Classification: Uncertain significance. Last evaluated: 2023-12-08. Review status: criteria provided, single submitter. Criteria: ACMG Guidelines, 2015. Collection method: clinical testing. Allele origin: germline. Observed: 1 variant allele.
Comment: BP4

GeneDx
Classification: Likely benign. Last evaluated: 2023-03-21. Review status: criteria provided, single submitter. Criteria: GeneDx Variant Classification Process June 2021. Collection method: clinical testing. Allele origin: germline. Affected: yes.
Comment: See Variant Classification Assertion Criteria.

Institute for Clinical Genetics, University Hospital TU Dresden, University Hospital TU Dresden
Classification: Uncertain significance. Last evaluated: 2021-11-03. Review status: criteria provided, single submitter. Criteria: ACMG Guidelines, 2015. Collection method: clinical testing. Allele origin: germline.

Ambry Genetics
Classification: Uncertain significance for Inborn genetic diseases. Last evaluated: 2021-06-10. Review status: criteria provided, single submitter. Criteria: Ambry Variant Classification Scheme 2023. Collection method: clinical testing. Allele origin: germline.

Illumina Laboratory Services, Illumina
Classification: Uncertain significance for Nemaline myopathy 2. Last evaluated: 2018-01-12. Review status: criteria provided, single submitter. Criteria: ICSL Variant Classification Criteria 13 December 2019. Collection method: clinical testing. Allele origin: germline.

Centre for Mendelian Genomics, University Medical Centre Ljubljana
Classification: Uncertain significance for Limb pain; Muscular dystrophy; Progressive proximal muscle weakness. Last evaluated: 2015-09-15. Review status: criteria provided, single submitter. Criteria: ACMG Guidelines, 2015. Collection method: clinical testing. Allele origin: unknown. Affected: yes.

Genetic Services Laboratory, University of Chicago
Classification: Uncertain significance. Last evaluated: 2014-04-29. Review status: criteria provided, single submitter. Criteria: ACMG Guidelines, 2007. Collection method: clinical testing. Allele origin: germline.

Natera, Inc.
Classification: Likely benign for Nemaline myopathy type 2. Last evaluated: 2020-04-30. Review status: no assertion criteria provided. Collection method: clinical testing. Allele origin: germline. Not counted in ClinVar's aggregate classification.

Genome Diagnostics Laboratory, University Medical Center Utrecht
Classification: Uncertain significance. Review status: no assertion criteria provided. Collection method: clinical testing. Allele origin: germline. Affected: yes. Study: VKGL Data-share Consensus. Not counted in ClinVar's aggregate classification.

Laboratory of Diagnostic Genome Analysis, Leiden University Medical Center (LUMC)
Classification: Uncertain significance. Review status: no assertion criteria provided. Collection method: clinical testing. Allele origin: germline. Affected: yes. Study: VKGL Data-share Consensus. Not counted in ClinVar's aggregate classification.

Literature cited by the submitters: PubMed 33100332 (cited by Women's Health and Genetics/Laboratory Corporation of America, LabCorp and Mayo Clinic Laboratories, Mayo Clinic).

NM_001164508.2(NEB):c.20098C>A (p.Leu6700Ile)

Gene: NEB (nebulin; minus strand). Cytogenetic location: 2q23.3.
Variant type: single nucleotide variant.
Coding change: c.20098C>A on transcript NM_001164508.2 (MANE Select); coding-DNA position 20098, C replaced by A.
Protein change: p.Leu6700Ile; replaces leucine 6700 with isoleucine.
Molecular consequence: missense variant.
Genome position (GRCh38, 1-based): chr2:151,548,367, G>T on the plus strand (C>A on the coding strand, the complement: NEB is on the minus strand). VCF-style: chr2-151548367-G-T. GRCh37 (hg19) VCF-style: chr2-152404881-G-T.
Other names: p.Leu6700Ile; c.20098C>A, p.Leu6700Ile (NM_001164507.2, NM_001271208.2); c.14995C>A, p.Leu4999Ile (NM_004543.5); short protein forms L4999I, L6700I.
Identifiers: ClinVar variation 211584 (VCV000211584.72), dbSNP rs202139330, ClinGen allele CA206341.